The following is an entry in ClinVar:

ClinVar aggregate classification (germline): Pathogenic (1 of 4 stars; one submission).

Allele frequency attached by ClinVar (database versions not stated): gnomAD exomes below 0.00001.
gnomAD v4.1: 2 of 1,613,792 alleles (0.00012%); highest among the groups gnomAD compares: Non-Finnish European, 0.00017%; no homozygotes.

Submission:

Labcorp Genetics (formerly Invitae), Labcorp
Classification: Pathogenic. Last evaluated: 2022-12-19. Review status: criteria provided, single submitter. Criteria: Invitae Variant Classification Sherloc (09022015). Collection method: clinical testing. Allele origin: germline.
Comment: This sequence change affects a donor splice site in intron 1 of the KCNJ1 gene. While this variant is not anticipated to result in nonsense mediated decay, it likely alters RNA splicing and results in a disrupted protein product. This variant is not present in population databases (gnomAD no frequency). This variant has not been reported in the literature in individuals affected with KCNJ1-related conditions. Variants that disrupt the consensus splice site are a relatively common cause of aberrant splicing (PMID: 17576681, 9536098). Algorithms developed to predict the effect of sequence changes on RNA splicing suggest that this variant may disrupt the consensus splice site. This variant disrupts a region of the KCNJ1 protein in which other variant(s) (p.His354Serfs*8 ) have been determined to be pathogenic (PMID: 11318951). This suggests that this is a clinically significant region of the protein, and that variants that disrupt it are likely to be disease-causing. For these reasons, this variant has been classified as Pathogenic.

Literature cited by the submitters: PubMed 17576681; PubMed 9536098; PubMed 11318951.

NM_153766.3(KCNJ1):c.-21-2117G>A

Gene: KCNJ1 (potassium inwardly rectifying channel subfamily J member 1; minus strand). Cytogenetic location: 11q24.3.
Variant type: single nucleotide variant.
Coding change: c.-21-2117G>A on transcript NM_153766.3 (MANE Select); 2117 bases into the intron before 21 bases upstream of the start codon, G replaced by A.
Molecular consequence: intron variant. On other transcripts: splice donor variant (1).
Genome position (GRCh38, 1-based): chr11:128,842,381, C>T on the plus strand (G>A on the coding strand, the complement: KCNJ1 is on the minus strand). VCF-style: chr11-128842381-C-T. GRCh37 (hg19) VCF-style: chr11-128712276-C-T.
Other names: c.-21-2117G>A (NM_153764.3, NM_153767.4); c.31-2117G>A (NM_153765.3); c.36+1G>A (NM_000220.6).
Identifiers: ClinVar variation 2996445 (VCV002996445.3), dbSNP rs2497581147, ClinGen allele CA383250482.